The following is an entry in ClinVar:

NM_001042492.3(NF1):c.2846G>A (p.Gly949Glu)

Gene: NF1 (neurofibromin 1; plus strand). Cytogenetic location: 17q11.2.
Variant type: single nucleotide variant.
Coding change: c.2846G>A on transcript NM_001042492.3 (MANE Select); coding-DNA position 2846, G replaced by A.
Protein change: p.Gly949Glu; replaces glycine 949 with glutamic acid.
Molecular consequence: missense variant.
Genome position (GRCh38, 1-based): chr17:31,229,461, G>A. VCF-style: chr17-31229461-G-A. GRCh37 (hg19) VCF-style: chr17-29556479-G-A.
Other names: c.2846G>A, p.Gly949Glu (NM_000267.4); short protein forms G949E.
Identifiers: ClinVar variation 2800414 (VCV002800414.3), dbSNP rs2151429834, ClinGen allele CA398985884.
Genomic context (GRCh38, chr17:31,229,461, plus strand): 5'-TGTATCCAATGCTATTTAACAAATTGAAGAATACCATCAGCAAGTTTTTTGACTCCCAAG[G>A]ACAGGTAAAGTGTTCTCTTATTTTTCACCTTTCTCTATGAATAGAGTGACTTGTTTGAAA-3'
Protein context (NP_001035957.1, residues 939-959): NTISKFFDSQ[Gly949Glu]QVLLTDTNTQ

ClinVar aggregate classification (germline): Uncertain significance (1 of 4 stars; one submission).

Conditions:
Neurofibromatosis, type 1 (NF1). Also called: VON RECKLINGHAUSEN DISEASE; Neurofibromatosis, type I; NEUROFIBROMATOSIS, TYPE I, SOMATIC; Peripheral type neurofibromatosis. Identifiers: Orphanet 636, MedGen C0027831, MONDO:0018975, OMIM 162200. Disease mechanism: loss of function.

Submission:

Labcorp Genetics (formerly Invitae), Labcorp
Classification: Uncertain significance for Neurofibromatosis, type 1. Last evaluated: 2023-10-20. Review status: criteria provided, single submitter. Criteria: Invitae Variant Classification Sherloc (09022015). Collection method: clinical testing. Allele origin: germline.
Comment: This sequence change replaces glycine, which is neutral and non-polar, with glutamic acid, which is acidic and polar, at codon 949 of the NF1 protein (p.Gly949Glu). This variant is not present in population databases (gnomAD no frequency). This variant has not been reported in the literature in individuals affected with NF1-related conditions. Advanced modeling of protein sequence and biophysical properties (such as structural, functional, and spatial information, amino acid conservation, physicochemical variation, residue mobility, and thermodynamic stability) performed at Invitae indicates that this missense variant is expected to disrupt NF1 protein function. In summary, the available evidence is currently insufficient to determine the role of this variant in disease. Therefore, it has been classified as a Variant of Uncertain Significance.